The following is an entry in ClinVar:

ClinVar aggregate classification (germline): Likely benign (1 of 4 stars; one submission).

gnomAD v4.1: 12 of 1,589,454 alleles (0.00075%); highest among the groups gnomAD compares: African/African-American, 0.0013%; no homozygotes.

Submission:

CeGaT Center for Human Genetics Tuebingen
Classification: Likely benign. Last evaluated: 2025-01-01. Review status: criteria provided, single submitter. Criteria: CeGaT Center For Human Genetics Tuebingen Variant Classification Criteria Version 2. Collection method: clinical testing. Allele origin: germline. Affected: yes. Observed: 1 variant allele.
Comment: ECPAS: BP4, BP7

NM_001364929.1(ECPAS):c.2025A>C (p.Ser675=)

Gene: ECPAS (Ecm29 proteasome adaptor and scaffold; minus strand). Cytogenetic location: 9q31.3.
Variant type: single nucleotide variant.
Coding change: c.2025A>C on transcript NM_001364929.1 (MANE Select); coding-DNA position 2025, A replaced by C.
Protein change: p.Ser675=; no amino-acid change (serine 675 retained).
Molecular consequence: synonymous variant.
Genome position (GRCh38, 1-based): chr9:111,413,949, T>G on the plus strand (A>C on the coding strand, the complement: ECPAS is on the minus strand). VCF-style: chr9-111413949-T-G. GRCh37 (hg19) VCF-style: chr9-114176229-T-G.
Other names: c.2025A>C, p.Ser675= (NM_001363756.2, NM_001364930.1); c.2043A>C, p.Ser681= (NM_001364931.1).
Identifiers: ClinVar variation 3771510 (VCV003771510.13).